The following is an entry in ClinVar:

NM_001371727.1(GABRB2):c.1039A>G (p.Ser347Gly)

Gene: GABRB2 (gamma-aminobutyric acid type A receptor subunit beta2; minus strand). Cytogenetic location: 5q34.
Variant type: single nucleotide variant.
Coding change: c.1039A>G on transcript NM_001371727.1 (MANE Select); coding-DNA position 1039, A replaced by G.
Protein change: p.Ser347Gly; replaces serine 347 with glycine.
Molecular consequence: missense variant.
Genome position (GRCh38, 1-based): chr5:161,330,921, T>C on the plus strand (A>G on the coding strand, the complement: GABRB2 is on the minus strand). VCF-style: chr5-161330921-T-C. GRCh37 (hg19) VCF-style: chr5-160757928-T-C.
Other names: c.1039A>G, p.Ser347Gly (NM_000813.3, NM_021911.3); short protein forms S347G.
Identifiers: ClinVar variation 852541 (VCV000852541.10), dbSNP rs780941452, ClinGen allele CA3543443.

ClinVar aggregate classification (germline): Uncertain significance (1 of 4 stars; one submission).

Conditions:
Intellectual disability. Also called: Intellectual developmental disorder; Intellectual functioning disability; intellectual disabilities. Identifiers: MedGen C3714756, MeSH D008607, MONDO:0001071, HP:0001249.

Allele frequency attached by ClinVar (database versions not stated): gnomAD exomes below 0.00001; ExAC 0.00001.
gnomAD v4.1: 1 of 1,614,254 alleles (0.000062%); highest among the groups gnomAD compares: Non-Finnish European, 0.000085%; no homozygotes.

Submission:

Labcorp Genetics (formerly Invitae), Labcorp
Classification: Uncertain significance for Intellectual disability. Last evaluated: 2020-03-06. Review status: criteria provided, single submitter. Criteria: Invitae Variant Classification Sherloc (09022015). Collection method: clinical testing. Allele origin: germline.
Comment: In summary, the available evidence is currently insufficient to determine the role of this variant in disease. Therefore, it has been classified as a Variant of Uncertain Significance. Algorithms developed to predict the effect of missense changes on protein structure and function (SIFT, PolyPhen-2, Align-GVGD) all suggest that this variant is likely to be tolerated, but these predictions have not been confirmed by published functional studies and their clinical significance is uncertain. This variant has not been reported in the literature in individuals with GABRB2-related conditions. This variant is present in population databases (rs780941452, ExAC 0.001%). This sequence change replaces serine with glycine at codon 347 of the GABRB2 protein (p.Ser347Gly). The serine residue is weakly conserved and there is a small physicochemical difference between serine and glycine.